The following is an entry in ClinVar:

NM_001127511.3(APC):c.-153C>T

Gene: APC (APC regulator of Wnt signaling pathway; plus strand). Cytogenetic location: 5q22.2.
Variant type: single nucleotide variant.
Coding change: c.-153C>T on transcript NM_001127511.3; 153 bases upstream of the start codon, C replaced by T.
Molecular consequence: 5 prime UTR variant. On other transcripts: non-coding transcript variant (2).
Genome position (GRCh38, 1-based): chr5:112,707,565, C>T. VCF-style: chr5-112707565-C-T. GRCh37 (hg19) VCF-style: chr5-112043262-C-T.
Other names: c.-336C>T (NM_001354895.2, NM_001407447.1, NM_001407452.1 and 3 more transcripts); c.-153C>T (NM_001354897.2, NM_001354902.2, NM_001407446.1); c.-103C>T (NM_001407448.1, NM_001407450.1, NM_001407457.1 and 1 more transcripts); c.-127C>T (NM_001407453.1); c.-1371C>T (NM_001407470.1, NM_001407472.1).
Identifiers: ClinVar variation 651286 (VCV000651286.9), dbSNP rs956623923, ClinGen allele CA124924894.
Genomic context (GRCh38, chr5:112,707,565, plus strand): 5'-AGTCTTCCCACCTCCCACAAGATGGCGGAGGGCAAGTAGCAAGGGGGCGGGGTGTGGCCG[C>T]CGGAAGCCTAGCCGCTGCTCGGGGGGGACCTGCGGGCTCAGGCCCGGGAGCTGCGGACCG-3'

ClinVar aggregate classification (germline): Uncertain significance (1 of 4 stars; one submission).

Conditions:
Familial adenomatous polyposis 1 (FAP1). Also called: FAMILIAL ADENOMATOUS POLYPOSIS 1, ATTENUATED; POLYPOSIS, ADENOMATOUS INTESTINAL. Identifiers: MedGen C2713442, MONDO:0021056, OMIM 175100. Disease mechanism: loss of function.

Allele frequency attached by ClinVar (database versions not stated): gnomAD exomes below 0.00001.

Submission:

Labcorp Genetics (formerly Invitae), Labcorp
Classification: Uncertain significance for Familial adenomatous polyposis 1. Last evaluated: 2025-09-19. Review status: criteria provided, single submitter. Criteria: Invitae Variant Classification Sherloc (09022015). Collection method: clinical testing. Allele origin: germline.
Comment: This variant occurs in a non-coding region of the APC gene. It does not change the encoded amino acid sequence of the APC protein. This variant is not present in population databases (gnomAD no frequency). This variant has not been reported in the literature in individuals affected with APC-related conditions. ClinVar contains an entry for this variant (Variation ID: 651286). Experimental studies and prediction algorithms are not available or were not evaluated, and the functional significance of this variant is currently unknown. In summary, the available evidence is currently insufficient to determine the role of this variant in disease. Therefore, it has been classified as a Variant of Uncertain Significance.